The following is an entry in ClinVar:

NM_004068.4(AP2M1):c.781C>T (p.Arg261Cys)

Gene: AP2M1 (adaptor related protein complex 2 subunit mu 1; plus strand). Cytogenetic location: 3q27.1.
Variant type: single nucleotide variant.
Coding change: c.781C>T on transcript NM_004068.4 (MANE Select); coding-DNA position 781, C replaced by T.
Protein change: p.Arg261Cys; replaces arginine 261 with cysteine.
Molecular consequence: missense variant.
Genome position (GRCh38, 1-based): chr3:184,181,769, C>T. VCF-style: chr3-184181769-C-T. GRCh37 (hg19) VCF-style: chr3-183899557-C-T.
Other names: c.775C>T, p.Arg259Cys (NM_001025205.2); c.856C>T, p.Arg286Cys (NM_001311198.2); short protein forms R259C, R261C, R286C.
Identifiers: ClinVar variation 3383912 (VCV003383912.1).

ClinVar aggregate classification (germline): Uncertain significance (1 of 4 stars; one submission).

Submission:

GeneDx
Classification: Uncertain significance. Last evaluated: 2024-06-02. Review status: criteria provided, single submitter. Criteria: GeneDx Variant Classification Process June 2021. Collection method: clinical testing. Allele origin: germline. Affected: yes.
Comment: Not observed at significant frequency in large population cohorts (gnomAD); In silico analysis supports that this missense variant has a deleterious effect on protein structure/function; Has not been previously published as pathogenic or benign to our knowledge